The following is an entry in ClinVar:

ClinVar aggregate classification (germline): Uncertain significance (1 of 4 stars; one submission).

Submission:

Ambry Genetics
Classification: Uncertain significance. Last evaluated: 2021-08-21. Review status: criteria provided, single submitter. Criteria: Ambry Variant Classification Scheme 2023. Collection method: clinical testing. Allele origin: germline.
Comment: The p.L3157R variant (also known as c.9470T>G), located in coding exon 68 of the PRKDC gene, results from a T to G substitution at nucleotide position 9470. The leucine at codon 3157 is replaced by arginine, an amino acid with dissimilar properties. This amino acid position is conserved. Since supporting evidence is limited at this time, the clinical significance of this alteration remains unclear.

NM_006904.7(PRKDC):c.9470T>G (p.Leu3157Arg)

Gene: PRKDC (protein kinase, DNA-activated, catalytic subunit; minus strand). Cytogenetic location: 8q11.21.
Variant type: single nucleotide variant.
Coding change: c.9470T>G on transcript NM_006904.7 (MANE Select); coding-DNA position 9470, T replaced by G.
Protein change: p.Leu3157Arg; replaces leucine 3157 with arginine.
Molecular consequence: missense variant.
Genome position (GRCh38, 1-based): chr8:47,817,537, A>C on the plus strand (T>G on the coding strand, the complement: PRKDC is on the minus strand). VCF-style: chr8-47817537-A-C. GRCh37 (hg19) VCF-style: chr8-48730098-A-C.
Other names: c.9470T>G, p.Leu3157Arg (NM_001081640.2); short protein forms L3157R.
Identifiers: ClinVar variation 1767076 (VCV001767076.2), dbSNP rs2551864900, ClinGen allele CA371137250.
Genomic context (GRCh38, chr8:47,817,537, plus strand): 5'-TTCATTGGGTCCATTTTAGCATCTGGATATCTGTTTGTCCAGGTGTTCAGAAGTCTCTTA[A>C]GGGGAACTTGAGATGATAAATTGCCTAAAAATAGTATTAGAGGGTGACTATACACACAGC-3'
Protein context (NP_008835.5, residues 3147-3167): KQGNLSSQVP[Leu3157Arg]KRLLNTWTNR